The following is an entry in ClinVar:

ClinVar aggregate classification (germline): Likely benign. Review status: criteria provided, multiple submitters, no conflicts (2 of 4 stars). 2 submissions from 2 submitters: Likely benign (2). Last evaluated 2021-10-26.

Conditions:
Charcot-Marie-Tooth disease axonal type 2N (CMT2N). Also called: CHARCOT-MARIE-TOOTH DISEASE, AXONAL, AUTOSOMAL DOMINANT, TYPE 2N; CHARCOT-MARIE-TOOTH NEUROPATHY, AXONAL, TYPE 2N; Charcot-Marie-Tooth Neuropathy Type 2N. Identifiers: Orphanet 228174, MedGen C2750090, MONDO:0013212, OMIM 613287.
Developmental and epileptic encephalopathy, 29 (DEE29). Also called: Epileptic encephalopathy, early infantile, 29. Identifiers: Orphanet 442835, MedGen C4225361, MONDO:0014593, OMIM 616339.
Leukoencephalopathy, hereditary diffuse, with spheroids 2 (HDLS2). Also called: LEUKOENCEPHALOPATHY, HEREDITARY DIFFUSE, WITH SPHEROIDS, SWEDISH TYPE. Identifiers: MedGen C5562044, MONDO:0030634, OMIM 619661.
Trichothiodystrophy 8, nonphotosensitive. Identifiers: MedGen C5562057, MONDO:0030517, OMIM 619691.

Submissions (2):

Fulgent Genetics
Classification: Likely benign for Charcot-Marie-Tooth disease axonal type 2N; Developmental and epileptic encephalopathy, 29; Leukoencephalopathy, hereditary diffuse, with spheroids 2; Trichothiodystrophy 8, nonphotosensitive. Last evaluated: 2021-10-26. Review status: criteria provided, single submitter. Criteria: ACMG Guidelines, 2015. Collection method: clinical testing. Allele origin: unknown.

GeneDx
Classification: Likely benign. Last evaluated: 2016-10-20. Review status: criteria provided, single submitter. Criteria: GeneDx Variant Classification (06012015). Collection method: clinical testing. Allele origin: germline. Affected: yes.
Comment: This variant is considered likely benign or benign based on one or more of the following criteria: it is a conservative change, it occurs at a poorly conserved position in the protein, it is predicted to be benign by multiple in silico algorithms, and/or has population frequency not consistent with disease.

NM_001605.3(AARS1):c.-21-11dup

Gene: AARS1 (alanyl-tRNA synthetase 1; minus strand). Cytogenetic location: 16q22.1.
Variant type: Duplication.
Coding change: c.-21-11dup on transcript NM_001605.3 (MANE Select); 11 bases into the intron before 21 bases upstream of the start codon, one base duplicated (T; older notation c.-21-11dupT).
Molecular consequence: intron variant.
Genome position (GRCh38, 1-based): chr16:70,282,795, A duplicated on the plus strand (T on the coding strand, the reverse complement: AARS1 is on the minus strand); the first of 9 consecutive A bases (chr16:70,282,795-70,282,803); duplicating any one gives the same sequence. VCF-style (leftmost placement, unchanged base first): chr16-70282794-G-GA. GRCh37 (hg19) VCF-style: chr16-70316697-G-GA.
Other names: c.-21-11dupT (NM_001605.2).
Identifiers: ClinVar variation 418752 (VCV000418752.2), dbSNP rs756492963, ClinGen allele CA8141261.